The following is an entry in ClinVar:

ClinVar aggregate classification (germline): Likely benign. Review status: criteria provided, multiple submitters, no conflicts (2 of 4 stars). 3 submissions from 3 submitters: Likely benign (3). Last evaluated 2026-05-29.

Conditions:
Gastrointestinal stromal tumor. Also called: Gastrointestinal stroma tumor; Gastrointestinal stromal tumor, somatic. Identifiers: Orphanet 44890, MedGen C0238198, MeSH D046152, MONDO:0011719, OMIM 606764, HP:0100723.

Allele frequency attached by ClinVar (database versions not stated): gnomAD 0.00001; gnomAD exomes 0.00001 and 0.00004; ExAC 0.00002; TOPMed 0.00006.

Submissions (3):

Myriad Genetics, Inc.
Classification: Likely benign for Gastrointestinal stromal tumor. Last evaluated: 2026-05-29. Review status: criteria provided, single submitter. Criteria: Myriad Autosomal Dominant, Autosomal Recessive and X-Linked Classification Criteria (2023). Collection method: clinical testing. Allele origin: unknown.
Comment: This variant is considered likely benign. This variant is intronic and is not expected to impact mRNA splicing.

Labcorp Genetics (formerly Invitae), Labcorp
Classification: Likely benign for Gastrointestinal stromal tumor. Last evaluated: 2026-01-31. Review status: criteria provided, single submitter. Criteria: Invitae Variant Classification Sherloc (09022015). Collection method: clinical testing. Allele origin: germline.

Blueprint Genetics
Classification: Likely benign. Last evaluated: 2024-11-19. Review status: criteria provided, single submitter. Criteria: ACMG Guidelines, 2015. Collection method: clinical testing. Allele origin: germline.

NM_000222.3(KIT):c.2234-16C>T

Gene: KIT (KIT proto-oncogene, receptor tyrosine kinase; plus strand). Cytogenetic location: 4q12.
Variant type: single nucleotide variant.
Coding change: c.2234-16C>T on transcript NM_000222.3 (MANE Select); 16 bases into the intron before coding-DNA position 2234, C replaced by T.
Molecular consequence: intron variant.
Genome position (GRCh38, 1-based): chr4:54,731,855, C>T. VCF-style: chr4-54731855-C-T. GRCh37 (hg19) VCF-style: chr4-55598021-C-T.
Other names: c.2237-16C>T (NM_001385284.1); c.2234-16C>T (NM_001385290.1); c.2225-16C>T (NM_001385288.1); c.2222-16C>T (NM_001385292.1, NM_001093772.2); c.2231-16C>T (NM_001385285.1); c.2219-16C>T (NM_001385286.1).
Identifiers: ClinVar variation 1563329 (VCV001563329.10), dbSNP rs772574619, ClinGen allele CA2923697.